The following is an entry in ClinVar:

ClinVar aggregate classification (germline): Uncertain significance (1 of 4 stars; one submission).

Conditions:
Mitochondrial DNA depletion syndrome 9 (MTDPS9). Also called: SUCLG1-Related Mitochondrial DNA Depletion Syndrome, Encephalomyopathic Form with Methylmalonic Aciduria. Identifiers: Orphanet 17, MedGen C3151476, MONDO:0009504, OMIM 245400.

Submission:

Labcorp Genetics (formerly Invitae), Labcorp
Classification: Uncertain significance for Mitochondrial DNA depletion syndrome 9. Last evaluated: 2022-06-01. Review status: criteria provided, single submitter. Criteria: Invitae Variant Classification Sherloc (09022015). Collection method: clinical testing. Allele origin: germline.
Comment: This variant is not present in population databases (gnomAD no frequency). In summary, the available evidence is currently insufficient to determine the role of this variant in disease. Therefore, it has been classified as a Variant of Uncertain Significance. Algorithms developed to predict the effect of missense changes on protein structure and function (SIFT, PolyPhen-2, Align-GVGD) all suggest that this variant is likely to be disruptive. This variant has not been reported in the literature in individuals affected with SUCLG1-related conditions. This sequence change replaces aspartic acid, which is acidic and polar, with histidine, which is basic and polar, at codon 151 of the SUCLG1 protein (p.Asp151His).

NM_003849.4(SUCLG1):c.451G>C (p.Asp151His)

Gene: SUCLG1 (succinate-CoA ligase GDP/ADP-forming subunit alpha; minus strand). Cytogenetic location: 2p11.2.
Variant type: single nucleotide variant.
Coding change: c.451G>C on transcript NM_003849.4 (MANE Select); coding-DNA position 451, G replaced by C.
Protein change: p.Asp151His; replaces aspartic acid 151 with histidine.
Molecular consequence: missense variant.
Genome position (GRCh38, 1-based): chr2:84,441,327, C>G on the plus strand (G>C on the coding strand, the complement: SUCLG1 is on the minus strand). VCF-style: chr2-84441327-C-G. GRCh37 (hg19) VCF-style: chr2-84668451-C-G.
Other names: short protein forms D151H.
Identifiers: ClinVar variation 2116758 (VCV002116758.4), dbSNP rs2468630653, ClinGen allele CA347515715.